The following is an entry in ClinVar:

NM_007194.3:c.966_967insSVA

Gene: CHEK2 (checkpoint kinase 2; minus strand).
Variant type: Insertion.
Identifiers: ClinVar variation 1767703 (VCV001767703.2).

ClinVar aggregate classification (germline): Likely pathogenic (1 of 4 stars; one submission).

Conditions:
Hereditary cancer-predisposing syndrome. Also called: Hereditary Cancer Syndrome; Hereditary neoplastic syndrome; Neoplastic Syndromes, Hereditary; Tumor predisposition. Identifiers: Orphanet 140162, MedGen C0027672, MeSH D009386, MONDO:0015356.

Submission:

Ambry Genetics
Classification: Likely pathogenic for Hereditary cancer-predisposing syndrome. Last evaluated: 2021-06-21. Review status: criteria provided, single submitter. Criteria: Ambry Variant Classification Scheme 2023. Collection method: clinical testing. Allele origin: germline.
Comment: The c.966_967insSVA likely pathogenic variant results from the insertion of a SVA element between nucleotides 966 and 967 in coding exon 8 of the CHEK2 gene. Mobile element insertions contribute to pathogenicity by either disrupting the coding sequence or inducing aberrant splicing (Belancio VP et al. Semin. Cancer Biol. 2010 Aug;20:200-10; Deininger P et al. Genome Biol. 2011 Dec;12:236; van der Klift HM. Hum Mutat. 2012 Jul;33(7):1051-5). Based on the majority of available evidence to date, this variant is likely to be pathogenic.